The following is an entry in ClinVar:

ClinVar aggregate classification (germline): Uncertain significance (1 of 4 stars; one submission).

Conditions:
Inborn genetic diseases. Identifiers: MedGen C0950123, MeSH D030342.

Submission:

Ambry Genetics
Classification: Uncertain significance for Inborn genetic diseases. Last evaluated: 2026-07-02. Review status: criteria provided, single submitter. Criteria: Ambry Variant Classification Scheme 2023. Collection method: clinical testing. Allele origin: germline.
Comment: The p.Q282R variant (also known as c.845A>G), located in coding exon 2 of the GATA2 gene, results from an A to G substitution at nucleotide position 845. The glutamine at codon 282 is replaced by arginine, an amino acid with highly similar properties. This amino acid position is conserved. In addition, the in silico prediction for this alteration is inconclusive. Based on the available evidence, the clinical significance of this variant remains unclear.

NM_032638.5(GATA2):c.845A>G (p.Gln282Arg)

Gene: GATA2 (GATA binding protein 2; minus strand). Cytogenetic location: 3q21.3.
Variant type: single nucleotide variant.
Coding change: c.845A>G on transcript NM_032638.5 (MANE Select); coding-DNA position 845, A replaced by G.
Protein change: p.Gln282Arg; replaces glutamine 282 with arginine.
Molecular consequence: missense variant.
Genome position (GRCh38, 1-based): chr3:128,485,753, T>C on the plus strand (A>G on the coding strand, the complement: GATA2 is on the minus strand). VCF-style: chr3-128485753-T-C. GRCh37 (hg19) VCF-style: chr3-128204596-T-C.
Other names: c.845A>G, p.Gln282Arg (NM_001145661.2, NM_001145662.1); short protein forms Q282R.
Identifiers: ClinVar variation 5022185 (VCV005022185.1).